The following is an entry in ClinVar:

NM_005026.5(PIK3CD):c.2906G>A (p.Arg969His)

Gene: PIK3CD (phosphatidylinositol-4,5-bisphosphate 3-kinase catalytic subunit delta; plus strand). Cytogenetic location: 1p36.22.
Variant type: single nucleotide variant.
Coding change: c.2906G>A on transcript NM_005026.5 (MANE Select); coding-DNA position 2906, G replaced by A.
Protein change: p.Arg969His; replaces arginine 969 with histidine.
Molecular consequence: missense variant.
Genome position (GRCh38, 1-based): chr1:9,724,845, G>A. VCF-style: chr1-9724845-G-A. GRCh37 (hg19) VCF-style: chr1-9784903-G-A.
Other names: c.2903G>A, p.Arg968His (NM_001350234.2); c.2819G>A, p.Arg940His (NM_001350235.1); short protein forms R940H, R968H, R969H.
Identifiers: ClinVar variation 3016999 (VCV003016999.3), dbSNP rs761274254, ClinGen allele CA577678.

ClinVar aggregate classification (germline): Uncertain significance (1 of 4 stars; one submission).

Conditions:
Immunodeficiency 14 (IMD14A). Also called: ACTIVATED PI3K-DELTA SYNDROME 1; p110-DELTA-ACTIVATING MUTATION CAUSING SENESCENT T CELLS, LYMPHADENOPATHY, AND IMMUNODEFICIENCY; Activated PI3K Delta Syndrome Type 1 (APDS1); IMMUNODEFICIENCY 14A WITH LYMPHOPROLIFERATION, AUTOSOMAL DOMINANT. Identifiers: Orphanet 397596, Orphanet 693661, MedGen C5907821, MONDO:0014222, OMIM 615513.

Allele frequency attached by ClinVar (database versions not stated): gnomAD 0.00001; gnomAD exomes 0.00002; TOPMed 0.00002; ExAC 0.00005.

Submission:

Labcorp Genetics (formerly Invitae), Labcorp
Classification: Uncertain significance for Activated PI3K-delta syndrome. Last evaluated: 2025-09-29. Review status: criteria provided, single submitter. Criteria: Invitae Variant Classification Sherloc (09022015). Collection method: clinical testing. Allele origin: germline.
Comment: This sequence change replaces arginine, which is basic and polar, with histidine, which is basic and polar, at codon 969 of the PIK3CD protein (p.Arg969His). This variant is present in population databases (rs761274254, gnomAD 0.02%). This variant has not been reported in the literature in individuals affected with PIK3CD-related conditions. ClinVar contains an entry for this variant (Variation ID: 3016999). Invitae Evidence Modeling of protein sequence and biophysical properties (such as structural, functional, and spatial information, amino acid conservation, physicochemical variation, residue mobility, and thermodynamic stability) indicates that this missense variant is not expected to disrupt PIK3CD protein function with a negative predictive value of 80%. In summary, the available evidence is currently insufficient to determine the role of this variant in disease. Therefore, it has been classified as a Variant of Uncertain Significance.